The following is an entry in ClinVar:

NM_002485.5(NBN):c.1796C>G (p.Thr599Arg)

Gene: NBN (nibrin; minus strand). Cytogenetic location: 8q21.3.
Variant type: single nucleotide variant.
Coding change: c.1796C>G on transcript NM_002485.5 (MANE Select); coding-DNA position 1796, C replaced by G.
Protein change: p.Thr599Arg; replaces threonine 599 with arginine.
Molecular consequence: missense variant.
Genome position (GRCh38, 1-based): chr8:89,953,293, G>C on the plus strand (C>G on the coding strand, the complement: NBN is on the minus strand). VCF-style: chr8-89953293-G-C. GRCh37 (hg19) VCF-style: chr8-90965521-G-C.
Other names: c.1550C>G, p.Thr517Arg (NM_001024688.3); short protein forms T599R, T517R.
Identifiers: ClinVar variation 233713 (VCV000233713.18), dbSNP rs775848374, ClinGen allele CA4802684.

ClinVar aggregate classification (germline): Conflicting classifications of pathogenicity. Review status: criteria provided, conflicting classifications (1 of 4 stars). 5 submissions from 5 submitters: Uncertain significance (2); Benign (1); Likely benign (1). 1 of the submissions does not count toward it. Last evaluated 2025-12-08.

Conditions:
Ovarian cancer. Also called: OVARIAN CANCER, SOMATIC. Identifiers: Orphanet 213500, MedGen C1140680, MONDO:0008170, OMIM 167000.
Hereditary cancer-predisposing syndrome. Also called: Tumor predisposition; Hereditary Cancer Syndrome; Hereditary neoplastic syndrome; Neoplastic Syndromes, Hereditary. Identifiers: Orphanet 140162, MedGen C0027672, MeSH D009386, MONDO:0015356.
Microcephaly, normal intelligence and immunodeficiency (NBS). Also called: IMMUNODEFICIENCY, MICROCEPHALY, AND CHROMOSOMAL INSTABILITY; SEEMANOVA SYNDROME II; Nijmegen breakage syndrome; Microcephaly with normal intelligence immunodeficiency and lymphoreticular malignancies; Nonsyndromal microcephaly autosomal recessive with normal intelligence; Seemanova syndrome 2. Identifiers: Orphanet 647, MedGen C0398791, MONDO:0009623, OMIM 251260.

Allele frequency attached by ClinVar (database versions not stated): gnomAD exomes below 0.00001; ExAC 0.00001.
gnomAD v4.1: 5 of 1,613,176 alleles (0.00031%); highest among the groups gnomAD compares: East Asian, 0.0089%; no homozygotes.

Submissions (5):

Labcorp Genetics (formerly Invitae), Labcorp
Classification: Uncertain significance for Microcephaly, normal intelligence and immunodeficiency. Last evaluated: 2025-12-08. Review status: criteria provided, single submitter. Criteria: Invitae Variant Classification Sherloc (09022015). Collection method: clinical testing. Allele origin: germline.
Comment: This sequence change replaces threonine, which is neutral and polar, with arginine, which is basic and polar, at codon 599 of the NBN protein (p.Thr599Arg). This variant is present in population databases (rs775848374, gnomAD 0.01%). This missense change has been observed in individual(s) with breast cancer (PMID: 34326862). ClinVar contains an entry for this variant (Variation ID: 233713). An algorithm developed to predict the effect of missense changes on protein structure and function outputs the following: PolyPhen-2: "Benign". The arginine amino acid residue is found in multiple mammalian species, which suggests that this missense change does not adversely affect protein function. In summary, the available evidence is currently insufficient to determine the role of this variant in disease. Therefore, it has been classified as a Variant of Uncertain Significance.

Ambry Genetics
Classification: Likely benign for Hereditary cancer-predisposing syndrome. Last evaluated: 2024-03-21. Review status: criteria provided, single submitter. Criteria: Ambry Variant Classification Scheme 2023. Collection method: clinical testing. Allele origin: germline.

Laboratory of Molecular Epidemiology of Birth Defects, West China Second University Hospital, Sichuan University
Classification: Benign for Ovarian cancer. Last evaluated: 2022-01-01. Review status: criteria provided, single submitter. Criteria: ACMG Guidelines, 2015. Collection method: clinical testing. Allele origin: germline. Affected: yes.

Genome-Nilou Lab
Classification: Uncertain significance for Microcephaly, normal intelligence and immunodeficiency. Last evaluated: 2021-11-07. Review status: criteria provided, single submitter. Criteria: ACMG Guidelines, 2015. Collection method: clinical testing. Allele origin: germline. Affected: no.

Natera, Inc.
Classification: Uncertain significance for Nijmegen breakage syndrome. Last evaluated: 2020-04-14. Review status: no assertion criteria provided. Collection method: clinical testing. Allele origin: germline. Not counted in ClinVar's aggregate classification.

Literature cited by the submitters: PubMed 34326862 (cited by Labcorp Genetics (formerly Invitae), Labcorp).